The following is an entry in ClinVar:

NM_001042492.3(NF1):c.1431T>G (p.Phe477Leu)

Gene: NF1 (neurofibromin 1; plus strand). Cytogenetic location: 17q11.2.
Variant type: single nucleotide variant.
Coding change: c.1431T>G on transcript NM_001042492.3 (MANE Select); coding-DNA position 1431, T replaced by G.
Protein change: p.Phe477Leu; replaces phenylalanine 477 with leucine.
Molecular consequence: missense variant.
Genome position (GRCh38, 1-based): chr17:31,214,489, T>G. VCF-style: chr17-31214489-T-G. GRCh37 (hg19) VCF-style: chr17-29541507-T-G.
Other names: c.1431T>G, p.Phe477Leu (NM_000267.4, NM_001128147.3); short protein forms F477L.
Identifiers: ClinVar variation 3404918 (VCV003404918.1).

ClinVar aggregate classification (germline): Uncertain significance (1 of 4 stars; one submission).

Conditions:
Hereditary cancer-predisposing syndrome. Also called: Hereditary Cancer Syndrome; Tumor predisposition; Hereditary neoplastic syndrome; Neoplastic Syndromes, Hereditary. Identifiers: Orphanet 140162, MedGen C0027672, MeSH D009386, MONDO:0015356.
Cardiovascular phenotype. Identifiers: MedGen CN230736.

Submission:

Ambry Genetics
Classification: Uncertain significance for Cardiovascular phenotype; Hereditary cancer-predisposing syndrome. Last evaluated: 2024-11-26. Review status: criteria provided, single submitter. Criteria: Ambry Variant Classification Scheme 2023. Collection method: clinical testing. Allele origin: germline.
Comment: The p.F477L variant (also known as c.1431T>G), located in coding exon 13 of the NF1 gene, results from a T to G substitution at nucleotide position 1431. The phenylalanine at codon 477 is replaced by leucine, an amino acid with highly similar properties. This amino acid position is highly conserved in available vertebrate species. In addition, this alteration is predicted to be tolerated by in silico analysis. Based on the available evidence, the clinical significance of this variant remains unclear.